The following is an entry in ClinVar:

ClinVar aggregate classification (germline): Uncertain significance (1 of 4 stars; one submission).

Submission:

GeneDx
Classification: Uncertain significance. Last evaluated: 2025-05-22. Review status: criteria provided, single submitter. Criteria: GeneDx Variant Classification Process June 2021. Collection method: clinical testing. Allele origin: germline.
Comment: Not observed at significant frequency in large population cohorts (gnomAD); In silico analysis supports that this missense variant has a deleterious effect on protein structure/function; Has not been previously published as pathogenic or benign to our knowledge

NM_020180.4(CELF4):c.347A>T (p.His116Leu)

Gene: CELF4 (CUGBP Elav-like family member 4; minus strand). Cytogenetic location: 18q12.2.
Variant type: single nucleotide variant.
Coding change: c.347A>T on transcript NM_020180.4 (MANE Select); coding-DNA position 347, A replaced by T.
Protein change: p.His116Leu; replaces histidine 116 with leucine.
Molecular consequence: missense variant. On other transcripts: 5 prime UTR variant (6), non-coding transcript variant (11).
Genome position (GRCh38, 1-based): chr18:37,485,547, T>A on the plus strand (A>T on the coding strand, the complement: CELF4 is on the minus strand). VCF-style: chr18-37485547-T-A. GRCh37 (hg19) VCF-style: chr18-35065510-T-A.
Other names: c.347A>T, p.His116Leu (NM_001353741.2, NM_001353742.2, NM_001353743.2 and 60 more transcripts); c.-23A>T (NM_001353756.2, NM_001353757.2, NM_001353758.2 and 3 more transcripts); short protein forms H116L.
Identifiers: ClinVar variation 3774618 (VCV003774618.2).